The following is an entry in ClinVar:

NM_001256317.3(TMPRSS3):c.323-6G>A

Gene: TMPRSS3 (transmembrane serine protease 3; minus strand). Cytogenetic location: 21q22.3.
Variant type: single nucleotide variant.
Coding change: c.323-6G>A on transcript NM_001256317.3 (MANE Select); 6 bases into the intron before coding-DNA position 323, G replaced by A.
Molecular consequence: intron variant.
Genome position (GRCh38, 1-based): chr21:42,388,532, C>T on the plus strand (G>A on the coding strand, the complement: TMPRSS3 is on the minus strand). VCF-style: chr21-42388532-C-T. GRCh37 (hg19) VCF-style: chr21-43808641-C-T.
Other names: IVS4AS, G-A, -6; c.323-6G>A (NM_024022.4, NM_032405.2); c.-59-6G>A (NM_032404.3).
Identifiers: ClinVar variation 46113 (VCV000046113.31), dbSNP rs374793617, ClinGen allele CA261812.
Genomic context (GRCh38, chr21:42,388,532, plus strand): 5'-TTCCACGAAGCAGCTGTGAACACCTGGAGCACGGCATTCTGACCACCCACCCGGACTGGC[C>T]GATGTGCAGAAAGAAAGGCTTATTAGTGGCCAGTGGAACCCTGAGACCATAGGCAGGGGT-3'

ClinVar aggregate classification (germline): Pathogenic/Likely pathogenic. Review status: criteria provided, multiple submitters, no conflicts (2 of 4 stars). 13 submissions from 13 submitters: Pathogenic (9); Likely pathogenic (1). 3 of the submissions do not count toward it. Last evaluated 2025-10-16.

Conditions:
Rare genetic deafness. Identifiers: Orphanet 96210, MedGen C5680250.
TMPRSS3-related disorder. Also called: TMPRSS3-related condition.
Childhood onset hearing loss.
Autosomal recessive nonsyndromic hearing loss 8 (DFNB8). Also called: Deafness, autosomal recessive 10; NEUROSENSORY NONSYNDROMIC RECESSIVE DEAFNESS 8. Identifiers: Orphanet 90636, MedGen C1832827, MONDO:0010987, OMIM 601072.
Hearing loss, autosomal recessive. Also called: Autosomal recessive nonsyndromic deafness; Deafness, autosomal recessive; Nonsyndromic Hearing Loss, Recessive; Rare autosomal recessive non-syndromic sensorineural deafness type DFNB. Identifiers: Orphanet 90635, Orphanet 90636, MedGen C1846647, MONDO:0019588, OMIM 607197.
Hearing impairment. Also called: Impaired Hearing. Identifiers: MedGen C1384666, MONDO:0005365, HP:0000365.

Allele frequency attached by ClinVar (database versions not stated): gnomAD below 0.00001 and 0.00003; TOPMed 0.00003; gnomAD exomes 0.00004 and 0.00006; ExAC 0.00006; ESP Exome Variant Server 0.00008; 1000 Genomes Project 0.00020; 1000 Genomes Project 30x 0.00031.
gnomAD v4.1: 64 of 1,614,122 alleles (0.004%); highest among the groups gnomAD compares: South Asian, 0.027%; no homozygotes.

Submissions (13):

PreventionGenetics, part of Exact Sciences
Classification: Pathogenic for TMPRSS3-related condition. Last evaluated: 2025-10-16. Review status: criteria provided, single submitter. Criteria: ACMG Guidelines, 2015. Collection method: clinical testing. Allele origin: germline.
Comment: The TMPRSS3 c.323-6G>A variant is predicted to interfere with splicing. This variant has been reported in both the homozygous and compound heterozygous states in several individuals with hearing loss, and segregated with the hearing loss phenotype in families (Ganapathy et al. 2014. PubMed ID: 24416283; Gao et al. 2017. PubMed ID: 28695016; Morgan et al. 2018. PubMed ID: 30622556). RNA functional studies show that this intronic change alters splicing, resulting in an early protein termination (described as IVS4-6G>A, p.Cys107fs; Scott et al. 2001. PubMed ID: 11137999). This variant is reported in 0.029% of alleles in individuals of South Asian descent in gnomAD. This variant is interpreted as pathogenic.

Variantyx, Inc.
Classification: Pathogenic for Autosomal recessive nonsyndromic hearing loss 8. Last evaluated: 2025-03-11. Review status: criteria provided, single submitter. Criteria: Variantyx Assertion Criteria 2022. Collection method: clinical testing. Allele origin: germline.
Comment: This is an intronic variant in the TMPRSS3 gene (OMIM: 605511). Pathogenic variants in this gene have been associated with autosomal recessive deafness 8/10. This splicing variant is expected to result in loss of function, which is a known disease mechanism for TMPRSS3 in this disorder (PMID: 11137999) (PVS1). This variant has been identified in the homozygous or compound heterozygous state in at least 3 individual(s) from the published literature (PMID: 11137999, 31589614, 32747562, 30622556, 28695016, 24416283, 21786053) (PM3_Strong). This variant has a 0.0274% maximum allele frequency in non-founder control populations (PM2_Supporting). Based on the current evidence, this variant is classified as pathogenic for autosomal recessive deafness 8/10.

Blueprint Genetics
Classification: Pathogenic for TMPRSS3-related disorders. Last evaluated: 2024-10-23. Review status: criteria provided, single submitter. Criteria: ACMG Guidelines, 2015. Collection method: clinical testing. Allele origin: germline. Affected: yes. Observed: 5 variant alleles.

GeneDx
Classification: Pathogenic. Last evaluated: 2024-10-01. Review status: criteria provided, single submitter. Criteria: GeneDx Variant Classification Process June 2021. Collection method: clinical testing. Allele origin: germline. Affected: yes.
Comment: Published functional studies demonstrate a damaging effect caused by the insertion of 4 nucleotides between exons 4 and 5 and leading to a frameshift (PMID: 11137999); In silico analysis supports a deleterious effect on splicing; This variant is associated with the following publications: (PMID: 11137999, 30622556, 34868270, 21786053, 24416283, 28695016, 32747562, 31589614, 34837038)

Fulgent Genetics
Classification: Pathogenic for Autosomal recessive nonsyndromic hearing loss 8. Last evaluated: 2024-04-03. Review status: criteria provided, single submitter. Criteria: ACMG Guidelines, 2015. Collection method: clinical testing. Allele origin: germline.

Labcorp Genetics (formerly Invitae), Labcorp
Classification: Pathogenic. Last evaluated: 2024-03-24. Review status: criteria provided, single submitter. Criteria: Invitae Variant Classification Sherloc (09022015). Collection method: clinical testing. Allele origin: germline.
Comment: This sequence change falls in intron 4 of the TMPRSS3 gene. It does not directly change the encoded amino acid sequence of the TMPRSS3 protein. This variant is present in population databases (rs374793617, gnomAD 0.03%). This variant has been observed in individual(s) with deafness (PMID: 11137999). It has also been observed to segregate with disease in related individuals. ClinVar contains an entry for this variant (Variation ID: 46113). Studies have shown that this variant alters mRNA splicing and is expected to lead to the loss of protein expression (PMID: 11137999). For these reasons, this variant has been classified as Pathogenic.

Genetics and Molecular Pathology, SA Pathology
Classification: Pathogenic for Autosomal recessive nonsyndromic hearing loss 8. Last evaluated: 2022-07-01. Review status: criteria provided, single submitter. Criteria: ACMG Guidelines, 2015. Collection method: clinical testing. Allele origin: germline. Inheritance: Autosomal recessive inheritance. Affected: yes.
Comment: The TMPRSS3 c.323-6G>A variant is classified as PATHOGENIC (PVS1, PS4, PM3) The TMPRSS3 c.323-6G>A variant is located in a splice acceptor region. Studies have demonstrated this variant impacts splicing, leading to a frameshift in the open reading frame (PMID:11137999) (PVS1). This variant has been reported in both a homozygous and compound heterozygous state in multiple individuals with deafness, in the literature (PMID:11137999; PMID:30622556; PMID:34868270) (PS4) (PM3). This variant is in dbSNP (rs374793617) but is rare in population databases (gnomAD 4/152118, no homozygotes). This variant has been reported in ClinVar as Pathogenic for Hearing loss by other diagnostic laboratories (Variation ID: 46113) and as damaging in the HGMD disease database for childhood onset deafness (CS010098).

National Institute on Deafness and Communication Disorders, National Institutes of Health
Classification: Pathogenic for Childhood onset hearing loss. Last evaluated: 2021-07-08. Review status: criteria provided, single submitter. Criteria: ClinGen HL ACMG Specifications v1. Collection method: research. Allele origin: germline. Inheritance: Autosomal recessive inheritance. Affected: yes. Observed: 1 homozygote. Segregation with disease not observed.
Comment: PS1, PS3_moderate, PM2, PM3_strong, PP3 / Modifications from PMID: 30311386 for classification: The genetic causes of hearing loss have not yet been well characterized in the Yoruba population, and the information regarding variant MAF in this population is still limited, so we did not exclude any variant based on their "high" MAF. PP3 criteria was applied even if the REVEL score was below 0.7, if at least two of the pathogenicity prediction algorithms used predicted that the variant was damaging or likely damaging.

was found associated with in cis with NM_024022.3:c.1363T>C

Revvity Omics, Revvity
Classification: Likely pathogenic for Autosomal recessive nonsyndromic hearing loss 8. Last evaluated: 2019-10-14. Review status: criteria provided, single submitter. Criteria: ACMG Guidelines, 2015. Collection method: clinical testing. Allele origin: germline.

Laboratory for Molecular Medicine, Mass General Brigham Personalized Medicine
Classification: Pathogenic for Rare genetic deafness. Last evaluated: 2013-10-17. Review status: criteria provided, single submitter. Criteria: LMM Criteria. Collection method: clinical testing. Allele origin: germline. Inheritance: Autosomal recessive inheritance. Observed: 2 variant alleles.
Comment: The 323-6G>A variant in TMPRSS3 has been reported in homozygosity in one individ ual with hearing loss (Scott 2001). The variant is located in the 3' splice region and studies have shown that the 323-6G>A variant impacts splicing and leads to a frameshift (Scott 2001). Althou gh this variant has been identified in 0.02% (1/4406) of African American chromo somes from a broad population by the NHLBI Exome Sequencing Project (.) and in 1/160 Muslim Indians controls (Scott 2001), this f requency is low enough to be consistent with a recessive carrier frequency. In s ummary, this variant meets our criteria to be classified as pathogenic.

OMIM
Classification: Pathogenic for DEAFNESS, AUTOSOMAL RECESSIVE 8. Last evaluated: 2001-01-01. Review status: no assertion criteria provided. Collection method: literature only. Allele origin: germline. Not counted in ClinVar's aggregate classification.

University of Washington Center for Mendelian Genomics, University of Washington
Classification: Likely pathogenic for non-syndromic autosomal recessive hearing loss. Review status: no assertion criteria provided. Collection method: research. Allele origin: inherited. Affected: yes. Not counted in ClinVar's aggregate classification.

Department of Otolaryngology – Head & Neck Surgery, Cochlear Implant Center
Classification: Uncertain significance for Hearing impairment. Last evaluated: 2021-04-12. Review status: flagged submission. Criteria: ClinGen HL ACMG Specifications v1. Collection method: clinical testing. Allele origin: germline. Affected: yes. Not counted in ClinVar's aggregate classification.
Comment: PS1_Moderate PM2_Supporting, BP4_Supporting
ClinVar note: Reason: Outlier claim with insufficient supporting evidence

Literature cited by the submitters: PubMed 11137999 (cited by 4 submitters); PubMed 30622556 (cited by Genetics and Molecular Pathology, SA Pathology); PubMed 34868270 (cited by Genetics and Molecular Pathology, SA Pathology); PubMed 30303587 (cited by University of Washington Center for Mendelian Genomics, University of Washington).